The following is an entry in ClinVar:

ClinVar aggregate classification (germline): Uncertain significance (1 of 4 stars; one submission).

Conditions:
Autosomal recessive limb-girdle muscular dystrophy type 2J (LGMDR10). Also called: Limb-girdle muscular dystrophy, type 2J; MUSCULAR DYSTROPHY, LIMB-GIRDLE, AUTOSOMAL RECESSIVE 10. Identifiers: Orphanet 140922, MedGen C1837342, MONDO:0012127, OMIM 608807.
Dilated cardiomyopathy 1G (CMD1G). Identifiers: Orphanet 154, MedGen C1858763, MONDO:0011400, OMIM 604145.

Allele frequency attached by ClinVar (database versions not stated): gnomAD exomes below 0.00001; gnomAD 0.00001.
gnomAD v4.1: 2 of 1,613,688 alleles (0.00012%); highest among the groups gnomAD compares: African/African-American, 0.0013%; no homozygotes.

Submission:

Labcorp Genetics (formerly Invitae), Labcorp
Classification: Uncertain significance for Dilated cardiomyopathy 1G; Autosomal recessive limb-girdle muscular dystrophy type 2J. Last evaluated: 2022-03-23. Review status: criteria provided, single submitter. Criteria: Invitae Variant Classification Sherloc (09022015). Collection method: clinical testing. Allele origin: germline.
Comment: This sequence change creates a premature translational stop signal (p.Gln3502*) in the TTN gene. While this is not anticipated to result in nonsense mediated decay, it is expected to create a truncated TTN protein. This variant is present in population databases (no rsID available, gnomAD 0.007%). This variant has not been reported in the literature in individuals affected with TTN-related conditions. ClinVar contains an entry for this variant (Variation ID: 640509). This variant is located in the I band of TTN (PMID: 25589632). Truncating variants in this region have been shown to be highly prevalent in the general population and unaffected individuals (PMID: 26701604, 22335739). However, truncating variants in this region have also been reported in individuals affected with autosomal recessive centronuclear myopathy (PMID: 23975875). In summary, the available evidence is currently insufficient to determine the role of this variant in disease. Therefore, it has been classified as a Variant of Uncertain Significance.

Literature cited by the submitters: PubMed 25589632; PubMed 26701604; PubMed 22335739; PubMed 23975875.

NM_001267550.2(TTN):c.10504C>T (p.Gln3502Ter)

Gene: TTN (titin; minus strand). Cytogenetic location: 2q31.2.
Variant type: single nucleotide variant.
Coding change: c.10504C>T on transcript NM_001267550.2 (MANE Select); coding-DNA position 10504, C replaced by T.
Protein change: p.Gln3502Ter; replaces glutamine 3502 with a stop codon.
Molecular consequence: nonsense. On other transcripts: intron variant (5).
Genome position (GRCh38, 1-based): chr2:178,757,716, G>A on the plus strand (C>T on the coding strand, the complement: TTN is on the minus strand). VCF-style: chr2-178757716-G-A. GRCh37 (hg19) VCF-style: chr2-179622443-G-A.
Other names: c.10366C>T, p.Gln3456Ter (NM_133432.3); c.10165+1268C>T (NM_003319.4); c.10166-919C>T (NM_133437.4); c.10303+1268C>T (NM_133378.4, NM_001256850.1, NM_133379.5); short protein forms Q3456*, Q3502*.
Identifiers: ClinVar variation 640509 (VCV000640509.9), dbSNP rs1411783753, ClinGen allele CA349672106.